The following is an entry in ClinVar:

NM_004385.5(VCAN):c.7079A>G (p.Asn2360Ser)

Genes: VCAN (versican; plus strand), VCAN-AS1 (VCAN antisense RNA 1; minus strand). Cytogenetic location: 5q14.3.
Variant type: single nucleotide variant.
Coding change: c.7079A>G on transcript NM_004385.5 (MANE Select); coding-DNA position 7079, A replaced by G.
Protein change: p.Asn2360Ser; replaces asparagine 2360 with serine.
Molecular consequence: missense variant. On other transcripts: intron variant (2).
Genome position (GRCh38, 1-based): chr5:83,540,082, A>G. VCF-style: chr5-83540082-A-G. GRCh37 (hg19) VCF-style: chr5-82835901-A-G.
Other names: c.4118A>G, p.Asn1373Ser (NM_001164097.2); c.4004-5455A>G (NM_001164098.2); c.1043-5455A>G (NM_001126336.3); short protein forms N2360S, N1373S.
Identifiers: ClinVar variation 971760 (VCV000971760.10), dbSNP rs747960971, ClinGen allele CA3333575.

ClinVar aggregate classification (germline): Uncertain significance (1 of 4 stars; one submission).

Allele frequency attached by ClinVar (database versions not stated): TOPMed below 0.00001; gnomAD 0.00001; gnomAD exomes 0.00001 and 0.00002; ExAC 0.00003.
gnomAD v4.1: 6 of 1,613,924 alleles (0.00037%); highest among the groups gnomAD compares: Admixed American, 0.01%; no homozygotes.

Submission:

Labcorp Genetics (formerly Invitae), Labcorp
Classification: Uncertain significance. Last evaluated: 2023-10-13. Review status: criteria provided, single submitter. Criteria: Invitae Variant Classification Sherloc (09022015). Collection method: clinical testing. Allele origin: germline.
Comment: This sequence change replaces asparagine, which is neutral and polar, with serine, which is neutral and polar, at codon 2360 of the VCAN protein (p.Asn2360Ser). This variant is present in population databases (rs747960971, gnomAD 0.02%). This variant has not been reported in the literature in individuals affected with VCAN-related conditions. ClinVar contains an entry for this variant (Variation ID: 971760). Algorithms developed to predict the effect of missense changes on protein structure and function output the following: SIFT: "Not Available"; PolyPhen-2: "Benign"; Align-GVGD: "Not Available". The serine amino acid residue is found in multiple mammalian species, which suggests that this missense change does not adversely affect protein function. In summary, the available evidence is currently insufficient to determine the role of this variant in disease. Therefore, it has been classified as a Variant of Uncertain Significance.